The following is an entry in ClinVar:

NM_002788.4(PSMA3):c.21G>C (p.Gly7=)

Gene: PSMA3 (proteasome 20S subunit alpha 3; plus strand). Cytogenetic location: 14q23.1.
Variant type: single nucleotide variant.
Coding change: c.21G>C on transcript NM_002788.4 (MANE Select); coding-DNA position 21, G replaced by C.
Protein change: p.Gly7=; no amino-acid change (glycine 7 retained).
Molecular consequence: synonymous variant. On other transcripts: non-coding transcript variant (1).
Genome position (GRCh38, 1-based): chr14:58,244,941, G>C. VCF-style: chr14-58244941-G-C. GRCh37 (hg19) VCF-style: chr14-58711659-G-C.
Other names: c.21G>C, p.Gly7= (NM_152132.3).
Identifiers: ClinVar variation 3723885 (VCV003723885.2).
Genomic context (GRCh38, chr14:58,244,941, plus strand): 5'-CGGGCCTGGAATCCCTACGCGTCCCTTTGGGTTTAGCACGATGAGCTCAATCGGCACTGG[G>C]GTGAGTTCGCTGTCTGTCGGTGTAATAGTTTAACCTAAGGATTGGGGTTGAAGGGAACTC-3'
Protein context (NP_002779.1, residues 1-17): MSSIGT[Gly7=]YDLSASTFSP

ClinVar aggregate classification (germline): Uncertain significance (1 of 4 stars; one submission).

Submission:

Labcorp Genetics (formerly Invitae), Labcorp
Classification: Uncertain significance. Last evaluated: 2024-10-27. Review status: criteria provided, single submitter. Criteria: Invitae Variant Classification Sherloc (09022015). Collection method: clinical testing. Allele origin: germline.
Comment: This sequence change affects codon 7 of the PSMA3 mRNA. It is a 'silent' change, meaning that it does not change the encoded amino acid sequence of the PSMA3 protein. This variant also falls at the last nucleotide of exon 1, which is part of the consensus splice site for this exon. This variant is not present in population databases (gnomAD no frequency). This variant has not been reported in the literature in individuals affected with PSMA3-related conditions. Variants that disrupt the consensus splice site are a relatively common cause of aberrant splicing (PMID: 17576681, 9536098). Algorithms developed to predict the effect of sequence changes on RNA splicing suggest that this variant may disrupt the consensus splice site. In summary, the available evidence is currently insufficient to determine the role of this variant in disease. Therefore, it has been classified as a Variant of Uncertain Significance.

Literature cited by the submitters: PubMed 17576681; PubMed 9536098.